The following is an entry in ClinVar:

ClinVar aggregate classification (germline): Uncertain significance. Review status: criteria provided, multiple submitters, no conflicts (2 of 4 stars). 2 submissions from 2 submitters: Uncertain significance (2). Last evaluated 2025-03-29.

Conditions:
Inborn genetic diseases. Identifiers: MedGen C0950123, MeSH D030342.

gnomAD v4.1: 3 of 1,611,674 alleles (0.00019%); highest among the groups gnomAD compares: Non-Finnish European, 0.00017%; no homozygotes.

Submissions (2):

Ambry Genetics
Classification: Uncertain significance for Inborn genetic diseases. Last evaluated: 2025-03-29. Review status: criteria provided, single submitter. Criteria: Ambry Variant Classification Scheme 2023. Collection method: clinical testing. Allele origin: germline.
Comment: The p.P996S variant (also known as c.2986C>T), located in coding exon 29 of the RTEL1 gene, results from a C to T substitution at nucleotide position 2986. The proline at codon 996 is replaced by serine, an amino acid with similar properties. This amino acid position is conserved. In addition, this alteration is predicted to be tolerated by in silico analysis. Based on the available evidence, the clinical significance of this variant remains unclear.

GeneDx
Classification: Uncertain significance. Last evaluated: 2024-07-31. Review status: criteria provided, single submitter. Criteria: GeneDx Variant Classification Process June 2021. Collection method: clinical testing. Allele origin: germline. Affected: yes.
Comment: Not observed at significant frequency in large population cohorts (gnomAD); In silico analysis indicates that this missense variant does not alter protein structure/function; Has not been previously published as pathogenic or benign to our knowledge

NM_001283009.2(RTEL1):c.2986C>T (p.Pro996Ser)

Genes: RTEL1 (regulator of telomere elongation helicase 1; plus strand), RTEL1-TNFRSF6B (RTEL1-TNFRSF6B readthrough (NMD candidate); plus strand). Cytogenetic location: 20q13.33.
Variant type: single nucleotide variant.
Coding change: c.2986C>T on transcript NM_001283009.2 (MANE Select); coding-DNA position 2986, C replaced by T.
Protein change: p.Pro996Ser; replaces proline 996 with serine.
Molecular consequence: missense variant. On other transcripts: non-coding transcript variant (1).
Genome position (GRCh38, 1-based): chr20:63,693,277, C>T. VCF-style: chr20-63693277-C-T. GRCh37 (hg19) VCF-style: chr20-62324630-C-T.
Other names: c.2317C>T, p.Pro773Ser (NM_001283010.1); c.2986C>T, p.Pro996Ser (NM_016434.4); c.3058C>T, p.Pro1020Ser (NM_032957.5); short protein forms P1020S, P773S, P996S.
Identifiers: ClinVar variation 3602543 (VCV003602543.2).